The following is an entry in ClinVar:

NM_007289.4(MME):c.1094+4G>A

Gene: MME (membrane metalloendopeptidase; plus strand). Cytogenetic location: 3q25.2.
Variant type: single nucleotide variant.
Coding change: c.1094+4G>A on transcript NM_007289.4 (MANE Select); 4 bases into the intron after coding-DNA position 1094, G replaced by A.
Molecular consequence: intron variant.
Genome position (GRCh38, 1-based): chr3:155,142,131, G>A. VCF-style: chr3-155142131-G-A. GRCh37 (hg19) VCF-style: chr3-154859920-G-A.
Other names: c.1094+4G>A (NM_001354642.2, NM_000902.5, NM_007287.4 and 2 more transcripts).
Identifiers: ClinVar variation 1365157 (VCV001365157.3), dbSNP rs755335510, ClinGen allele CA547367865.

ClinVar aggregate classification (germline): Uncertain significance (1 of 4 stars; one submission).

Allele frequency attached by ClinVar (database versions not stated): TOPMed below 0.00001; gnomAD exomes 0.00001.
gnomAD v4.1: 14 of 1,613,758 alleles (0.00087%); highest among the groups gnomAD compares: African/African-American, 0.0013%; no homozygotes.

Submission:

Labcorp Genetics (formerly Invitae), Labcorp
Classification: Uncertain significance. Last evaluated: 2021-07-09. Review status: criteria provided, single submitter. Criteria: Invitae Variant Classification Sherloc (09022015). Collection method: clinical testing. Allele origin: germline.
Comment: This sequence change falls in intron 11 of the MME gene. It does not directly change the encoded amino acid sequence of the MME protein. It affects a nucleotide within the consensus splice site of the intron. This variant is not present in population databases (ExAC no frequency). This variant has not been reported in the literature in individuals affected with MME-related conditions. Nucleotide substitutions within the consensus splice site are a relatively common cause of aberrant splicing (PMID: 17576681, 9536098). Algorithms developed to predict the effect of sequence changes on RNA splicing suggest that this variant is not likely to affect RNA splicing. In summary, the available evidence is currently insufficient to determine the role of this variant in disease. Therefore, it has been classified as a Variant of Uncertain Significance.

Literature cited by the submitters: PubMed 17576681; PubMed 9536098.